The following is an entry in ClinVar:

NM_000969.5(RPL5):c.-38C>T

Gene: RPL5 (ribosomal protein L5; plus strand). Cytogenetic location: 1p22.1.
Variant type: single nucleotide variant.
Coding change: c.-38C>T on transcript NM_000969.5 (MANE Select); 38 bases upstream of the start codon, C replaced by T.
Molecular consequence: 5 prime UTR variant. On other transcripts: non-coding transcript variant (1).
Genome position (GRCh38, 1-based): chr1:92,832,077, C>T. VCF-style: chr1-92832077-C-T. GRCh37 (hg19) VCF-style: chr1-93297634-C-T.
Other names: c.-38C>T (LRG_1155t1).
Identifiers: ClinVar variation 298204 (VCV000298204.5), dbSNP rs372080902, ClinGen allele CA952272.
Genomic context (GRCh38, chr1:92,832,077, plus strand): 5'-TGCGCCTGCGCAAGGGCTGTGGCCCTTTTCCCACCCCCTAGCGCCGCTGGGCCTGCAGGT[C>T]TCTGTCGAGCAGCGGACGCCGGTCTCTGTTCCGCAGGATGGTGAGTGGATGCCTCGGTCT-3'

ClinVar aggregate classification (germline): Likely benign (1 of 4 stars; one submission).

Conditions:
Diamond-Blackfan anemia 6 (DBA6). Also called: RPL5-Related Diamond-Blackfan Anemia. Identifiers: Orphanet 124, MedGen C2931850, MONDO:0012937, OMIM 612561.

Allele frequency attached by ClinVar (database versions not stated): TOPMed 0.00006; ESP Exome Variant Server 0.00015.
gnomAD v4.1: 18 of 1,613,686 alleles (0.0011%); highest among the groups gnomAD compares: East Asian, 0.025%; no homozygotes.

Submission:

Illumina Laboratory Services, Illumina
Classification: Likely benign for Diamond-Blackfan anemia 6. Last evaluated: 2018-01-13. Review status: criteria provided, single submitter. Criteria: ICSL Variant Classification Criteria 13 December 2019. Collection method: clinical testing. Allele origin: germline.
Comment: This variant was observed in the ICSL laboratory as part of a predisposition screen in an ostensibly healthy population. It had not been previously curated by ICSL or reported in the Human Gene Mutation Database (HGMD: prior to June 1st, 2018), and was therefore a candidate for classification through an automated scoring system. Utilizing variant allele frequency, disease prevalence and penetrance estimates, and inheritance mode, an automated score was calculated to assess if this variant is too frequent to cause the disease. Based on the score and internal cut-off values, a variant classified as likely benign is not then subjected to further curation. The score for this variant resulted in a classification of likely benign for this disease.